The following is an entry in ClinVar:

NM_000748.3(CHRNB2):c.1338+3G>T

Gene: CHRNB2 (cholinergic receptor nicotinic beta 2 subunit; plus strand). Cytogenetic location: 1q21.3.
Variant type: single nucleotide variant.
Coding change: c.1338+3G>T on transcript NM_000748.3 (MANE Select); 3 bases into the intron after coding-DNA position 1338, G replaced by T.
Molecular consequence: intron variant.
Genome position (GRCh38, 1-based): chr1:154,572,164, G>T. VCF-style: chr1-154572164-G-T. GRCh37 (hg19) VCF-style: chr1-154544640-G-T.
Identifiers: ClinVar variation 430409 (VCV000430409.11), dbSNP rs886348487, ClinGen allele CA30835250.
Genomic context (GRCh38, chr1:154,572,164, plus strand): 5'-GGTGGACGGCGTGCGCTTCATCGCAGACCACATGCGGAGCGAGGACGATGACCAGAGCGT[G>T]AGTGCCGCAGGCTGGGACCCCGGGCGTGAGATATGGGGTCTGCCAGGGCCCGGGTATCTG-3'

ClinVar aggregate classification (germline): Uncertain significance. Review status: criteria provided, multiple submitters, no conflicts (2 of 4 stars). 4 submissions from 4 submitters: Uncertain significance (4). Last evaluated 2025-08-29.

Conditions:
Familial sleep-related hypermotor epilepsy. Also called: Autosomal Dominant Sleep-Related Hypermotor (Hyperkinetic) Epilepsy. Identifiers: Orphanet 98784, MedGen C3696898, MONDO:0000030.
Inborn genetic diseases. Identifiers: MedGen C0950123, MeSH D030342.
Autosomal dominant nocturnal frontal lobe epilepsy 3. Also called: CHRNB2-Related Nocturnal Frontal Lobe Epilepsy, Autosomal Dominant. Identifiers: Orphanet 98784, MedGen C1854335, MONDO:0011545, OMIM 605375.

Allele frequency attached by ClinVar (database versions not stated): gnomAD 0.00001; gnomAD exomes 0.00002; TOPMed 0.00003.
gnomAD v4.1: 8 of 1,536,830 alleles (0.00052%); highest among the groups gnomAD compares: Admixed American, 0.016%; no homozygotes.

Submissions (4):

Labcorp Genetics (formerly Invitae), Labcorp
Classification: Uncertain significance. Last evaluated: 2025-08-29. Review status: criteria provided, single submitter. Criteria: Invitae Variant Classification Sherloc (09022015). Collection method: clinical testing. Allele origin: germline.
Comment: This sequence change falls in intron 5 of the CHRNB2 gene. It does not directly change the encoded amino acid sequence of the CHRNB2 protein. It affects a nucleotide within the consensus splice site. The frequency data for this variant in the population databases is considered unreliable, as metrics indicate poor data quality at this position in the gnomAD database. This variant has not been reported in the literature in individuals affected with CHRNB2-related conditions. ClinVar contains an entry for this variant (Variation ID: 430409). Variants that disrupt the consensus splice site are a relatively common cause of aberrant splicing (PMID: 17576681, 9536098). Algorithms developed to predict the effect of sequence changes on RNA splicing suggest that this variant may disrupt the consensus splice site. In summary, the available evidence is currently insufficient to determine the role of this variant in disease. Therefore, it has been classified as a Variant of Uncertain Significance.

Ambry Genetics
Classification: Uncertain significance for Inborn genetic diseases. Last evaluated: 2020-12-29. Review status: criteria provided, single submitter. Criteria: Ambry Variant Classification Scheme 2023. Collection method: clinical testing. Allele origin: germline.
Comment: The c.1338+3G>T intronic alteration consists of a G to T substitution 3 nucleotides after exon 5 (coding exon 5) of the CHRNB2 gene. In silico splice site analysis predicts that this alteration will weaken the native splice donor site. Based on insufficient or conflicting evidence, the clinical significance of this alteration remains unclear.

Fulgent Genetics
Classification: Uncertain significance for Autosomal dominant nocturnal frontal lobe epilepsy 3. Last evaluated: 2018-10-31. Review status: criteria provided, single submitter. Criteria: ACMG Guidelines, 2015. Collection method: clinical testing. Allele origin: unknown.

GeneDx
Classification: Uncertain significance. Last evaluated: 2017-05-19. Review status: criteria provided, single submitter. Criteria: GeneDx Variant Classification (06012015). Collection method: clinical testing. Allele origin: germline. Affected: yes.
Comment: A variant of uncertain significance has been identified in the CHRNB2 gene. The c.1338+3 G>T variant has not been published as a pathogenic variant, nor has it been reported as a benign variant to our knowledge. The c.1338+3 G>T variant is not observed in large population cohorts; however, limited data are available (Lek et al., 2016; 1000 Genomes Consortium et al., 2015; Exome Variant Server). Several in-silico splice prediction models predict that c.1338+3 G>T may damage or destroy the natural splice donor site in intron 5 and lead to abnormal gene splicing. However, in the absence of RNA/functional studies, the actual effect of this sequence change in this individual is unknown. Additionally, to our knowledge, splice variants have not been reported in the CHRNB2 gene (Stenson et al., 2014). Therefore, based on the currently available information, it is unclear whether this variant is a pathogenic variant or a rare benign variant.

Literature cited by the submitters: PubMed 17576681 (cited by Labcorp Genetics (formerly Invitae), Labcorp); PubMed 9536098 (cited by Labcorp Genetics (formerly Invitae), Labcorp).